The following is an entry in ClinVar:

ClinVar aggregate classification (germline): Benign (1 of 4 stars; one submission).

Allele frequency attached by ClinVar (database versions not stated): TOPMed 0.13010; 1000 Genomes Project 30x 0.13320; gnomAD 0.13440 and 0.13765; 1000 Genomes Project 0.13778.
gnomAD v4.1: 20,955 of 152,240 alleles (14%); highest among the groups gnomAD compares: South Asian, 20%; 1,592 homozygotes.

Submission:

GeneDx
Classification: Benign. Last evaluated: 2018-06-16. Review status: criteria provided, single submitter. Criteria: GeneDx Variant Classification (06012015). Collection method: clinical testing. Allele origin: germline. Affected: yes.
Comment: This variant is considered likely benign or benign based on one or more of the following criteria: it is a conservative change, it occurs at a poorly conserved position in the protein, it is predicted to be benign by multiple in silico algorithms, and/or has population frequency not consistent with disease.

NM_007347.5(AP4E1):c.2905-213A>C

Gene: AP4E1 (adaptor related protein complex 4 subunit epsilon 1; plus strand). Cytogenetic location: 15q21.2.
Variant type: single nucleotide variant.
Coding change: c.2905-213A>C on transcript NM_007347.5 (MANE Select); 213 bases into the intron before coding-DNA position 2905, A replaced by C.
Molecular consequence: intron variant.
Genome position (GRCh38, 1-based): chr15:50,998,859, A>C. VCF-style: chr15-50998859-A-C. GRCh37 (hg19) VCF-style: chr15-51291056-A-C.
Other names: c.2680-213A>C (NM_001252127.2).
Identifiers: ClinVar variation 680066 (VCV000680066.1), dbSNP rs17521919, ClinGen allele CA270526907.